The following is an entry in ClinVar:

ClinVar aggregate classification (germline): Uncertain significance. Review status: criteria provided, multiple submitters, no conflicts (2 of 4 stars). 2 submissions from 2 submitters: Uncertain significance (2). Last evaluated 2020-06-22.

Conditions:
Myoclonic epilepsy, juvenile, susceptibility to, 1. Also called: Myoclonic Epilepsy, Juvenile, 1; EJM1. Identifiers: MedGen C1850778, MONDO:0020752, OMIM 254770.
Absence seizure. Also called: Absence epilepsy. Identifiers: Orphanet 1941, MedGen C0014553.

Allele frequency attached by ClinVar (database versions not stated): gnomAD exomes 0.00008 and 0.00004; ExAC 0.00011; 1000 Genomes Project 30x 0.00047; 1000 Genomes Project 0.00060; TOPMed below 0.00001; gnomAD 0.00002.
gnomAD v4.1: 60 of 1,614,022 alleles (0.0037%); highest among the groups gnomAD compares: South Asian, 0.058%; 1 homozygote.

Submissions (2):

Labcorp Genetics (formerly Invitae), Labcorp
Classification: Uncertain significance for Myoclonic epilepsy, juvenile, susceptibility to, 1; Absence seizure. Last evaluated: 2020-06-22. Review status: criteria provided, single submitter. Criteria: Invitae Variant Classification Sherloc (09022015). Collection method: clinical testing. Allele origin: germline.
Comment: In summary, the available evidence is currently insufficient to determine the role of this variant in disease. Therefore, it has been classified as a Variant of Uncertain Significance. This sequence change replaces histidine with arginine at codon 89 of the EFHC1 protein (p.His89Arg). The histidine residue is moderately conserved and there is a small physicochemical difference between histidine and arginine. This variant is present in population databases (rs543160745, ExAC 0.08%), and has an allele count higher than expected for a pathogenic variant (PMID: 28166811). This variant has been observed in individual(s) with juvenile myoclonic epilepsy (PMID: 28370826, 27467453). Algorithms developed to predict the effect of missense changes on protein structure and function are either unavailable or do not agree on the potential impact of this missense change (SIFT: "Deleterious"; PolyPhen-2: "Possibly Damaging"; Align-GVGD: "Class C0").

GeneDx
Classification: Uncertain significance. Last evaluated: 2013-04-25. Review status: criteria provided, single submitter. Criteria: GeneDx Variant Classification (06012015). Collection method: clinical testing. Allele origin: germline. Affected: yes.
Comment: This variant is denoted as NM_018100.3:c.266A>G; p.H89R:CAT>CGT. This missense change has not been published as a mutation, nor has it been reported as a benign polymorphism to our knowledge. It was not observed in approximately 6,500 individuals of European and African American ancestry in the NHLBI Exome Sequencing Project, indicating it is not a common benign variant in these populations. The amino acid substitution is conservative as both Histidine and Arginine are positively charged amino acid residues and His89Arg alters a position that is not well conserved in the protein. However, in-silico models are not consistent in their predictions of whether His89Arg is damaging to the structure/function of the protein. The variant is found in EPILEPSY panel(s).

Literature cited by the submitters: PubMed 28166811 (cited by Labcorp Genetics (formerly Invitae), Labcorp); PubMed 28370826 (cited by Labcorp Genetics (formerly Invitae), Labcorp); PubMed 27467453 (cited by Labcorp Genetics (formerly Invitae), Labcorp).

NM_018100.4(EFHC1):c.266A>G (p.His89Arg)

Gene: EFHC1 (EF-hand domain containing 1; plus strand). Cytogenetic location: 6p12.2.
Variant type: single nucleotide variant.
Coding change: c.266A>G on transcript NM_018100.4 (MANE Select); coding-DNA position 266, A replaced by G.
Protein change: p.His89Arg; replaces histidine 89 with arginine.
Molecular consequence: missense variant. On other transcripts: non-coding transcript variant (1).
Genome position (GRCh38, 1-based): chr6:52,424,148, A>G. VCF-style: chr6-52424148-A-G. GRCh37 (hg19) VCF-style: chr6-52288946-A-G.
Other names: p.H89R:CAT>CGT; c.209A>G, p.His70Arg (NM_001172420.2); short protein forms H89R, H70R.
Identifiers: ClinVar variation 205421 (VCV000205421.11), dbSNP rs543160745, ClinGen allele CA314474.
Genomic context (GRCh38, chr6:52,424,148, plus strand): 5'-CACCAGTCTTAACTTATGGCCAACCTAAACAAGCCCCACCTGCGGATTTTATTCCTGCGC[A>G]TGTGGCCTTTGACAAAAAGGTATCATCTGGAATTTTAGGGTACCCCTTGAATTAGGGTCT-3'
Protein context (NP_060570.2, residues 79-99): QAPPADFIPA[His89Arg]VAFDKKVLKF